The following is an entry in ClinVar:

ClinVar aggregate classification (germline): Uncertain significance (1 of 4 stars; one submission).

Allele frequency attached by ClinVar (database versions not stated): gnomAD exomes below 0.00001; TOPMed 0.00002; gnomAD 0.00005.
gnomAD v4.1: 14 of 1,613,792 alleles (0.00087%); highest among the groups gnomAD compares: African/African-American, 0.017%; no homozygotes.

Submission:

Labcorp Genetics (formerly Invitae), Labcorp
Classification: Uncertain significance. Last evaluated: 2023-09-04. Review status: criteria provided, single submitter. Criteria: Invitae Variant Classification Sherloc (09022015). Collection method: clinical testing. Allele origin: germline.
Comment: This sequence change replaces glycine, which is neutral and non-polar, with arginine, which is basic and polar, at codon 1065 of the MYO18B protein (p.Gly1065Arg). In summary, the available evidence is currently insufficient to determine the role of this variant in disease. Therefore, it has been classified as a Variant of Uncertain Significance. An algorithm developed to predict the effect of missense changes on protein structure and function (PolyPhen-2) suggests that this variant¬¨‚Ä†is likely to be tolerated. This variant has not been reported in the literature in individuals affected with MYO18B-related conditions. The frequency data for this variant in the population databases is considered unreliable, as metrics indicate poor data quality at this position in the gnomAD database.

NM_032608.7(MYO18B):c.3193G>A (p.Gly1065Arg)

Gene: MYO18B (myosin XVIIIB; plus strand). Cytogenetic location: 22q12.1.
Variant type: single nucleotide variant.
Coding change: c.3193G>A on transcript NM_032608.7 (MANE Select); coding-DNA position 3193, G replaced by A.
Protein change: p.Gly1065Arg; replaces glycine 1065 with arginine.
Molecular consequence: missense variant.
Genome position (GRCh38, 1-based): chr22:25,835,428, G>A. VCF-style: chr22-25835428-G-A. GRCh37 (hg19) VCF-style: chr22-26231395-G-A.
Other names: c.3196G>A, p.Gly1066Arg (NM_001318245.2); short protein forms G1065R, G1066R.
Identifiers: ClinVar variation 2892619 (VCV002892619.2), dbSNP rs967276600, ClinGen allele CA322796400.